The following is an entry in ClinVar:

ClinVar aggregate classification (germline): Benign (0 of 4 stars; one submission).

Conditions:
USP15-related disorder. Also called: USP15-related condition.

Allele frequency attached by ClinVar (database versions not stated): 1000 Genomes Project 0.56030; 1000 Genomes Project 30x 0.56184; TOPMed 0.58402; ESP Exome Variant Server 0.59374; gnomAD 0.59405; ExAC 0.60176; gnomAD exomes 0.61327.
gnomAD v4.1: 980,384 of 1,605,158 alleles (61%); highest among the groups gnomAD compares: Non-Finnish European, 62%; 300,818 homozygotes.

Submission:

PreventionGenetics, part of Exact Sciences
Classification: Benign for USP15-related condition. Last evaluated: 2019-10-17. Review status: no assertion criteria provided. Collection method: clinical testing. Allele origin: germline.
Comment: This variant is classified as benign based on ACMG/AMP sequence variant interpretation guidelines (Richards et al. 2015 PMID: 25741868, with internal and published modifications).

NM_001252078.2(USP15):c.1455A>G (p.Pro485=)

Gene: USP15 (ubiquitin specific peptidase 15; plus strand). Cytogenetic location: 12q14.1.
Variant type: single nucleotide variant.
Coding change: c.1455A>G on transcript NM_001252078.2 (MANE Select); coding-DNA position 1455, A replaced by G.
Protein change: p.Pro485=; no amino-acid change (proline 485 retained).
Molecular consequence: synonymous variant. On other transcripts: non-coding transcript variant (5).
Genome position (GRCh38, 1-based): chr12:62,384,284, A>G. VCF-style: chr12-62384284-A-G. GRCh37 (hg19) VCF-style: chr12-62778065-A-G.
Other names: c.1092A>G, p.Pro364= (NM_001351159.2); c.708A>G, p.Pro236= (NM_001351160.2); c.456A>G, p.Pro152= (NM_001351163.2, NM_001351164.2, NM_001351165.2 and 1 more transcripts); c.1368A>G, p.Pro456= (NM_006313.3).
Identifiers: ClinVar variation 3060073 (VCV003060073.2), dbSNP rs2044846, ClinGen allele CA6662699.